The following is an entry in ClinVar:

NM_001199138.2(NLRC4):c.1035T>C (p.Cys345=)

Gene: NLRC4 (NLR family CARD domain containing 4; minus strand). Cytogenetic location: 2p22.3.
Variant type: single nucleotide variant.
Coding change: c.1035T>C on transcript NM_001199138.2 (MANE Select); coding-DNA position 1035, T replaced by C.
Protein change: p.Cys345=; no amino-acid change (cysteine 345 retained).
Molecular consequence: synonymous variant. On other transcripts: intron variant (1).
Genome position (GRCh38, 1-based): chr2:32,250,829, A>G on the plus strand (T>C on the coding strand, the complement: NLRC4 is on the minus strand). VCF-style: chr2-32250829-A-G. GRCh37 (hg19) VCF-style: chr2-32475898-A-G.
Other names: c.1035T>C, p.Cys345= (NM_001199139.2, NM_021209.5); c.262+1590T>C (NM_001302504.1).
Identifiers: ClinVar variation 2498812 (VCV002498812.28), dbSNP rs2466761268, ClinGen allele CA425621279.
Genomic context (GRCh38, chr2:32,250,829, plus strand): 5'-GGTATGGAACAGCGTTGTTTGTGTGTGAGAGTGGAACTCACTTTCACCCATCTGGATTGC[A>G]CAAGTGATGACCACAAAGAGAGGGGTCTTCATGAGATTCCTCAAGCACCTGGATTTCTGA-3'
Protein context (NP_001186067.1, residues 335-355): MKTPLFVVIT[Cys345=]AIQMGESEFH

ClinVar aggregate classification (germline): Likely benign (1 of 4 stars; one submission).

Submission:

CeGaT Center for Human Genetics Tuebingen
Classification: Likely benign. Last evaluated: 2023-03-01. Review status: criteria provided, single submitter. Criteria: CeGaT Center For Human Genetics Tuebingen Variant Classification Criteria Version 2. Collection method: clinical testing. Allele origin: germline. Affected: yes. Observed: 1 variant allele.
Comment: NLRC4: PM2:Supporting, BP4, BP7